The following is an entry in ClinVar:

NM_001367823.1(ARHGEF18):c.112del (p.Ala40fs)

Gene: ARHGEF18 (Rho/Rac guanine nucleotide exchange factor 18; plus strand). Cytogenetic location: 19p13.2.
Variant type: Deletion.
Coding change: c.112del on transcript NM_001367823.1 (MANE Select); coding-DNA position 112, one base deleted (C; older notation c.112delC).
Protein change: p.Ala40fs; shifts the reading frame from alanine 40.
Molecular consequence: frameshift variant.
Genome position (GRCh38, 1-based): chr19:7,372,908, C deleted; the last of 2 consecutive C bases (chr19:7,372,907-7,372,908); deleting either gives the same sequence. VCF-style (leftmost placement, unchanged base first): chr19-7372906-GC-G. GRCh37 (hg19) VCF-style: chr19-7437792-GC-G.
Other names: c.112delC (NM_001367823.1); short protein forms A40fs.
Identifiers: ClinVar variation 4849288 (VCV004849288.1).

ClinVar aggregate classification (germline): Likely pathogenic (1 of 4 stars; one submission).

Conditions:
Retinitis pigmentosa 78 (RP78). Identifiers: MedGen C4479481, MONDO:0044314, OMIM 617433.

Submission:

First Genomix Gene Laboratory, Genetic Diagnostics Department
Classification: Likely pathogenic for Retinitis pigmentosa 78. Last evaluated: 2025-05-21. Review status: criteria provided, single submitter. Criteria: ACMG Guidelines, 2015. Collection method: clinical testing. Allele origin: germline. Inheritance: Autosomal recessive inheritance. Affected: no. Observed: 1 variant allele.